The following is an entry in ClinVar:

ClinVar aggregate classification (germline): Uncertain significance (1 of 4 stars; one submission).

gnomAD v4.1: 12 of 1,602,764 alleles (0.00075%); highest among the groups gnomAD compares: Middle Eastern, 0.083%; no homozygotes.

Submission:

Labcorp Genetics (formerly Invitae), Labcorp
Classification: Uncertain significance. Last evaluated: 2022-03-04. Review status: criteria provided, single submitter. Criteria: Invitae Variant Classification Sherloc (09022015). Collection method: clinical testing. Allele origin: germline.
Comment: This sequence change replaces alanine, which is neutral and non-polar, with glutamic acid, which is acidic and polar, at codon 139 of the KANK2 protein (p.Ala139Glu). The frequency data for this variant in the population databases is considered unreliable, as metrics indicate poor data quality at this position in the gnomAD database. This variant has not been reported in the literature in individuals affected with KANK2-related conditions. Algorithms developed to predict the effect of missense changes on protein structure and function are either unavailable or do not agree on the potential impact of this missense change (SIFT: "Tolerated"; PolyPhen-2: "Probably Damaging"; Align-GVGD: "Class C0"). In summary, the available evidence is currently insufficient to determine the role of this variant in disease. Therefore, it has been classified as a Variant of Uncertain Significance.

NM_001136191.3(KANK2):c.416C>A (p.Ala139Glu)

Gene: KANK2 (KN motif and ankyrin repeat domains 2; minus strand). Cytogenetic location: 19p13.2.
Variant type: single nucleotide variant.
Coding change: c.416C>A on transcript NM_001136191.3 (MANE Select); coding-DNA position 416, C replaced by A.
Protein change: p.Ala139Glu; replaces alanine 139 with glutamic acid.
Molecular consequence: missense variant.
Genome position (GRCh38, 1-based): chr19:11,193,664, G>T on the plus strand (C>A on the coding strand, the complement: KANK2 is on the minus strand). VCF-style: chr19-11193664-G-T. GRCh37 (hg19) VCF-style: chr19-11304340-G-T.
Other names: c.416C>A, p.Ala139Glu (NM_001379548.1, NM_001379549.1, NM_001379550.1 and 15 more transcripts); short protein forms A139E.
Identifiers: ClinVar variation 1917639 (VCV001917639.5), dbSNP rs201796712, ClinGen allele CA9206074.